The following is an entry in ClinVar:

NM_002336.3(LRP6):c.389A>C (p.Lys130Thr)

Gene: LRP6 (LDL receptor related protein 6; minus strand). Cytogenetic location: 12p13.2.
Variant type: single nucleotide variant.
Coding change: c.389A>C on transcript NM_002336.3 (MANE Select); coding-DNA position 389, A replaced by C.
Protein change: p.Lys130Thr; replaces lysine 130 with threonine.
Molecular consequence: missense variant. On other transcripts: 5 prime UTR variant (2), non-coding transcript variant (1), intron variant (1).
Genome position (GRCh38, 1-based): chr12:12,244,322, T>G on the plus strand (A>C on the coding strand, the complement: LRP6 is on the minus strand). VCF-style: chr12-12244322-T-G. GRCh37 (hg19) VCF-style: chr12-12397256-T-G.
Other names: c.389A>C, p.Lys130Thr (NM_001414244.1, NM_001414245.1, NM_001414246.1 and 6 more transcripts); c.-65A>C (NM_001414253.1); c.-61A>C (NM_001414254.1); c.-5+22359A>C (NM_001414252.1); short protein forms K130T.
Identifiers: ClinVar variation 2988039 (VCV002988039.3), dbSNP rs1473511788, ClinGen allele CA383945001.

ClinVar aggregate classification (germline): Uncertain significance (1 of 4 stars; one submission).

Allele frequency attached by ClinVar (database versions not stated): gnomAD 0.00001.
gnomAD v4.1: 5 of 1,614,000 alleles (0.00031%); highest among the groups gnomAD compares: South Asian, 0.0055%; no homozygotes.

Submission:

Labcorp Genetics (formerly Invitae), Labcorp
Classification: Uncertain significance. Last evaluated: 2024-02-16. Review status: criteria provided, single submitter. Criteria: Invitae Variant Classification Sherloc (09022015). Collection method: clinical testing. Allele origin: germline.
Comment: This sequence change replaces lysine, which is basic and polar, with threonine, which is neutral and polar, at codon 130 of the LRP6 protein (p.Lys130Thr). This variant is present in population databases (no rsID available, gnomAD no frequency). This variant has not been reported in the literature in individuals affected with LRP6-related conditions. Advanced modeling of protein sequence and biophysical properties (such as structural, functional, and spatial information, amino acid conservation, physicochemical variation, residue mobility, and thermodynamic stability) performed at Invitae indicates that this missense variant is not expected to disrupt LRP6 protein function with a negative predictive value of 80%. In summary, the available evidence is currently insufficient to determine the role of this variant in disease. Therefore, it has been classified as a Variant of Uncertain Significance.